The following is an entry in ClinVar:

NM_016363.5(GP6):c.711dup (p.Val238fs)

Gene: GP6 (glycoprotein VI platelet; minus strand). Cytogenetic location: 19q13.42.
Variant type: Duplication.
Coding change: c.711dup on transcript NM_016363.5 (MANE Select); coding-DNA position 711, one base duplicated (A; older notation c.711dupA).
Protein change: p.Val238fs; shifts the reading frame from valine 238.
Molecular consequence: frameshift variant.
Genome position (GRCh38, 1-based): chr19:55,018,665, T duplicated on the plus strand (A on the coding strand, the reverse complement: GP6 is on the minus strand); the first of 2 consecutive T bases (chr19:55,018,665-55,018,666); duplicating either gives the same sequence. VCF-style (leftmost placement, unchanged base first): chr19-55018664-C-CT. GRCh37 (hg19) VCF-style: chr19-55530032-C-CT.
Other names: c.711dup, p.Val238fs (NM_001083899.2); c.657dup, p.Val220fs (NM_001256017.2); short protein forms V220fs, V238fs.
Identifiers: ClinVar variation 1072837 (VCV001072837.10), dbSNP rs778336022, ClinGen allele CA310123420.
Genomic context (GRCh38, chr19:55,018,664, plus strand): 5'-CCGTCCTCACACTCCTTTCTGCTGAGCATGAAATGCCTGGTTACTCACCAGTTGTGAAGA[C>CT]TTCGTTTGTGAATGAGACGGTCAGTTCAGCGGTGGCTTCTGAGAATTCTAAGAAAGCAAA-3'

ClinVar aggregate classification (germline): Pathogenic. Review status: criteria provided, multiple submitters, no conflicts (2 of 4 stars). 2 submissions from 2 submitters: Pathogenic (2). Last evaluated 2026-01-18.

Conditions:
Platelet-type bleeding disorder 11 (BDPLT11). Also called: GLYCOPROTEIN VI DEFICIENCY; GP VI DEFICIENCY. Identifiers: Orphanet 73271, Orphanet 98885, MedGen C3280120, MONDO:0013623, OMIM 614201.

Submissions (2):

Labcorp Genetics (formerly Invitae), Labcorp
Classification: Pathogenic. Last evaluated: 2026-01-18. Review status: criteria provided, single submitter. Criteria: Invitae Variant Classification Sherloc (09022015). Collection method: clinical testing. Allele origin: germline.
Comment: This sequence change creates a premature translational stop signal (p.Val238Serfs*5) in the GP6 gene. It is expected to result in an absent or disrupted protein product. Loss-of-function variants in GP6 are known to be pathogenic (PMID: 16139873, 23815599). This variant is present in population databases (rs778336022, gnomAD 0.006%). This premature translational stop signal has been observed in individual(s) with GPVI deficiency (PMID: 23815599). This variant is also known as c.711_712insA. ClinVar contains an entry for this variant (Variation ID: 1072837). For these reasons, this variant has been classified as Pathogenic.

Department of Pathology and Laboratory Medicine, Sinai Health System
Classification: Pathogenic for Platelet-type bleeding disorder 11. Last evaluated: 2023-08-02. Review status: criteria provided, single submitter. Criteria: ACMG Guidelines, 2015. Collection method: research. Allele origin: germline.

Literature cited by the submitters: PubMed 16139873 (cited by Labcorp Genetics (formerly Invitae), Labcorp); PubMed 23815599 (cited by Labcorp Genetics (formerly Invitae), Labcorp).